The following is an entry in ClinVar:

ClinVar aggregate classification (germline): Uncertain significance (1 of 4 stars; one submission).

Allele frequency attached by ClinVar (database versions not stated): TOPMed 0.00002.
gnomAD v4.1: 9 of 1,614,166 alleles (0.00056%); highest among the groups gnomAD compares: African/African-American, 0.004%; no homozygotes.

Submission:

Labcorp Genetics (formerly Invitae), Labcorp
Classification: Uncertain significance. Last evaluated: 2024-02-24. Review status: criteria provided, single submitter. Criteria: Invitae Variant Classification Sherloc (09022015). Collection method: clinical testing. Allele origin: germline.
Comment: This sequence change replaces aspartic acid, which is acidic and polar, with asparagine, which is neutral and polar, at codon 393 of the WHRN protein (p.Asp393Asn). This variant is not present in population databases (gnomAD no frequency). This variant has not been reported in the literature in individuals affected with WHRN-related conditions. ClinVar contains an entry for this variant (Variation ID: 1385951). An algorithm developed to predict the effect of missense changes on protein structure and function (PolyPhen-2) suggests that this variant is likely to be tolerated. In summary, the available evidence is currently insufficient to determine the role of this variant in disease. Therefore, it has been classified as a Variant of Uncertain Significance.

NM_015404.4(WHRN):c.1177G>A (p.Asp393Asn)

Gene: WHRN (whirlin; minus strand). Cytogenetic location: 9q32.
Variant type: single nucleotide variant.
Coding change: c.1177G>A on transcript NM_015404.4 (MANE Select); coding-DNA position 1177, G replaced by A.
Protein change: p.Asp393Asn; replaces aspartic acid 393 with asparagine.
Molecular consequence: missense variant.
Genome position (GRCh38, 1-based): chr9:114,425,014, C>T on the plus strand (G>A on the coding strand, the complement: WHRN is on the minus strand). VCF-style: chr9-114425014-C-T. GRCh37 (hg19) VCF-style: chr9-117187294-C-T.
Other names: c.28G>A, p.Asp10Asn (NM_001083885.3); c.1177G>A, p.Asp393Asn (NM_001173425.2); c.124G>A, p.Asp42Asn (NM_001346890.1); short protein forms D10N, D393N, D42N.
Identifiers: ClinVar variation 1385951 (VCV001385951.6), dbSNP rs138164522, ClinGen allele CA198635294.